The following is an entry in ClinVar:

NM_017433.5(MYO3A):c.4094A>C (p.Gln1365Pro)

Gene: MYO3A (myosin IIIA; plus strand). Cytogenetic location: 10p12.1.
Variant type: single nucleotide variant.
Coding change: c.4094A>C on transcript NM_017433.5 (MANE Select); coding-DNA position 4094, A replaced by C.
Protein change: p.Gln1365Pro; replaces glutamine 1365 with proline.
Molecular consequence: missense variant.
Genome position (GRCh38, 1-based): chr10:26,174,358, A>C. VCF-style: chr10-26174358-A-C. GRCh37 (hg19) VCF-style: chr10-26463287-A-C.
Other names: short protein forms Q1365P.
Identifiers: ClinVar variation 929907 (VCV000929907.7), dbSNP rs528252728, ClinGen allele CA5445377.

ClinVar aggregate classification (germline): Conflicting classifications of pathogenicity. Review status: criteria provided, conflicting classifications (1 of 4 stars). 3 submissions from 3 submitters: Uncertain significance (2); Likely benign (1). Last evaluated 2026-01-20.

Allele frequency attached by ClinVar (database versions not stated): gnomAD exomes 0.00002 and 0.00017; gnomAD 0.00004 and 0.00005; TOPMed 0.00005; ExAC 0.00012; 1000 Genomes Project 0.00020; 1000 Genomes Project 30x 0.00031.
gnomAD v4.1: 35 of 1,614,212 alleles (0.0022%); highest among the groups gnomAD compares: East Asian, 0.071%; no homozygotes.

Submissions (3):

Labcorp Genetics (formerly Invitae), Labcorp
Classification: Likely benign. Last evaluated: 2026-01-20. Review status: criteria provided, single submitter. Criteria: Invitae Variant Classification Sherloc (09022015). Collection method: clinical testing. Allele origin: germline.

GeneDx
Classification: Uncertain significance. Last evaluated: 2019-10-23. Review status: criteria provided, single submitter. Criteria: GeneDx Variant Classification Process June 2021. Collection method: clinical testing. Allele origin: germline. Affected: yes.
Comment: In silico analysis, which includes protein predictors and evolutionary conservation, supports that this variant does not alter protein structure/function; Has not been previously published as pathogenic or benign to our knowledge

Laboratory for Molecular Medicine, Mass General Brigham Personalized Medicine
Classification: Uncertain significance. Last evaluated: 2019-09-25. Review status: criteria provided, single submitter. Criteria: LMM Criteria. Collection method: clinical testing. Allele origin: germline. Observed: 1 variant allele.
Comment: The p.Gln1365Pro variant in MYO3A has not been previously reported in individuals with hearing loss but has been identified in 0.23% (47/19946) chromosomes by gnomAD. Computational prediction tools and conservation analyses do not provide strong support for or against an impact to the protein. In summary, the clinical significance of this variant is uncertain. ACMG/AMP Criteria applied: BS1_Supporting.